The following is an entry in ClinVar:

ClinVar aggregate classification (germline): Uncertain significance (1 of 4 stars; one submission).

Submission:

Ambry Genetics
Classification: Uncertain significance. Last evaluated: 2026-06-17. Review status: criteria provided, single submitter. Criteria: Ambry Variant Classification Scheme 2023. Collection method: clinical testing. Allele origin: germline.
Comment: The c.313A>G (p.K105E) alteration is located in exon 4 (coding exon 3) of the CCNB3 gene. This alteration results from a A to G substitution at nucleotide position 313, causing the lysine (K) at amino acid position 105 to be replaced by a glutamic acid (E). Based on data from gnomAD, the G allele has an overall frequency of 0.001% (1/180095) total alleles studied. The highest observed frequency was 0.001% (1/80966) of European (non-Finnish) alleles. Based on insufficient or conflicting evidence, the clinical significance of this alteration remains unclear.

NM_033031.3(CCNB3):c.313A>G (p.Lys105Glu)

Gene: CCNB3 (cyclin B3; plus strand). Cytogenetic location: Xp11.22.
Variant type: single nucleotide variant.
Coding change: c.313A>G on transcript NM_033031.3 (MANE Select); coding-DNA position 313, A replaced by G.
Protein change: p.Lys105Glu; replaces lysine 105 with glutamic acid.
Molecular consequence: missense variant. On other transcripts: intron variant (1).
Genome position (GRCh38, 1-based): chrX:50,294,971, A>G. VCF-style: chrX-50294971-A-G. GRCh37 (hg19) VCF-style: chrX-50037971-A-G.
Other names: c.204+6084A>G (NM_033670.4); short protein forms K105E.
Identifiers: ClinVar variation 5033814 (VCV005033814.1).